The following is an entry in ClinVar:

ClinVar aggregate classification (germline): Uncertain significance (1 of 4 stars; one submission).

Submission:

GeneDx
Classification: Uncertain significance. Last evaluated: 2024-10-08. Review status: criteria provided, single submitter. Criteria: GeneDx Variant Classification Process June 2021. Collection method: clinical testing. Allele origin: germline. Affected: yes.
Comment: Frameshift variant predicted to result in abnormal protein length as the last 1082 amino acids are replaced with 1 different amino acid with an unclear effect on protein function; Not observed at significant frequency in large population cohorts (gnomAD); Has not been previously published as pathogenic or benign to our knowledge; This variant is associated with the following publications: (PMID: 28545555)

NM_017654.4(SAMD9):c.1521_1522insA (p.Phe508fs)

Gene: SAMD9 (sterile alpha motif domain containing 9; minus strand). Cytogenetic location: 7q21.2.
Variant type: Insertion.
Coding change: c.1521_1522insA on transcript NM_017654.4 (MANE Select); coding-DNA positions 1521 to 1522, A inserted.
Protein change: p.Phe508fs; shifts the reading frame from phenylalanine 508.
Molecular consequence: frameshift variant.
Genome position: GRCh38 VCF-style: chr7-93104576-A-AT. GRCh37 (hg19) VCF-style: chr7-92733889-A-AT.
Other names: c.1521_1522insA, p.Phe508fs (NM_001193307.2); short protein forms F508fs.
Identifiers: ClinVar variation 3777425 (VCV003777425.1).